The following is an entry in ClinVar:

NM_001042492.3(NF1):c.8501G>T (p.Ser2834Ile)

Gene: NF1 (neurofibromin 1; plus strand). Cytogenetic location: 17q11.2.
Variant type: single nucleotide variant.
Coding change: c.8501G>T on transcript NM_001042492.3 (MANE Select); coding-DNA position 8501, G replaced by T.
Protein change: p.Ser2834Ile; replaces serine 2834 with isoleucine.
Molecular consequence: missense variant.
Genome position (GRCh38, 1-based): chr17:31,374,136, G>T. VCF-style: chr17-31374136-G-T. GRCh37 (hg19) VCF-style: chr17-29701154-G-T.
Other names: c.8438G>T, p.Ser2813Ile (NM_000267.4); short protein forms S2834I, S2813I.
Identifiers: ClinVar variation 1518813 (VCV001518813.9), dbSNP rs2151601621, ClinGen allele CA399206113.

ClinVar aggregate classification (germline): Uncertain significance. Review status: criteria provided, multiple submitters, no conflicts (2 of 4 stars). 2 submissions from 2 submitters: Uncertain significance (2). Last evaluated 2025-10-23.

Conditions:
Hereditary cancer-predisposing syndrome. Also called: Neoplastic Syndromes, Hereditary; Hereditary Cancer Syndrome; Tumor predisposition; Hereditary neoplastic syndrome. Identifiers: Orphanet 140162, MedGen C0027672, MeSH D009386, MONDO:0015356.
Cardiovascular phenotype. Identifiers: MedGen CN230736.
Neurofibromatosis, type 1 (NF1). Also called: Neurofibromatosis, type I; Peripheral type neurofibromatosis; VON RECKLINGHAUSEN DISEASE; NEUROFIBROMATOSIS, TYPE I, SOMATIC. Identifiers: Orphanet 636, MedGen C0027831, MONDO:0018975, OMIM 162200. Disease mechanism: loss of function.

Submissions (2):

Labcorp Genetics (formerly Invitae), Labcorp
Classification: Uncertain significance for Neurofibromatosis, type 1. Last evaluated: 2025-10-23. Review status: criteria provided, single submitter. Criteria: Invitae Variant Classification Sherloc (09022015). Collection method: clinical testing. Allele origin: germline.
Comment: This sequence change replaces serine, which is neutral and polar, with isoleucine, which is neutral and non-polar, at codon 2813 of the NF1 protein (p.Ser2813Ile). This variant is not present in population databases (gnomAD no frequency). This variant has not been reported in the literature in individuals affected with NF1-related conditions. ClinVar contains an entry for this variant (Variation ID: 1518813). Invitae Evidence Modeling of protein sequence and biophysical properties (such as structural, functional, and spatial information, amino acid conservation, physicochemical variation, residue mobility, and thermodynamic stability) indicates that this missense variant is expected to disrupt NF1 protein function with a positive predictive value of 95%. In summary, the available evidence is currently insufficient to determine the role of this variant in disease. Therefore, it has been classified as a Variant of Uncertain Significance.

Ambry Genetics
Classification: Uncertain significance for Cardiovascular phenotype; Hereditary cancer-predisposing syndrome. Last evaluated: 2025-05-19. Review status: criteria provided, single submitter. Criteria: Ambry Variant Classification Scheme 2023. Collection method: clinical testing. Allele origin: germline.
Comment: The p.S2813I variant (also known as c.8438G>T), located in coding exon 57 of the NF1 gene, results from a G to T substitution at nucleotide position 8438. The serine at codon 2813 is replaced by isoleucine, an amino acid with dissimilar properties. This amino acid position is conserved. In addition, the in silico prediction for this alteration is inconclusive. Based on the available evidence, the clinical significance of this variant remains unclear.